The following is an entry in ClinVar:

NM_004260.4(RECQL4):c.214-7C>T

Gene: RECQL4 (RecQ like helicase 4; minus strand). Cytogenetic location: 8q24.3.
Variant type: single nucleotide variant.
Coding change: c.214-7C>T on transcript NM_004260.4 (MANE Select); 7 bases into the intron before coding-DNA position 214, C replaced by T.
Molecular consequence: intron variant.
Genome position (GRCh38, 1-based): chr8:144,517,197, G>A on the plus strand (C>T on the coding strand, the complement: RECQL4 is on the minus strand). VCF-style: chr8-144517197-G-A. GRCh37 (hg19) VCF-style: chr8-145742581-G-A.
Identifiers: ClinVar variation 459381 (VCV000459381.11), dbSNP rs1047492140, ClinGen allele CA187690650.
Genomic context (GRCh38, chr8:144,517,197, plus strand): 5'-ACTCTTGGTCGCAGCCCGATTCAGATGGGGCCCCCAGCAGCGGGGCTCTGGCGCCTGCAG[G>A]AGACAACAGGGGCACAGGCCAGAAAAGGCTGTTGTGGCGGCAGAAGCGCTCCCAGCCACC-3'

ClinVar aggregate classification (germline): Likely benign. Review status: criteria provided, single submitter (1 of 4 stars). 2 submissions from 2 submitters: Likely benign (1). 1 of the submissions does not count toward it. Last evaluated 2026-01-28.

Conditions:
RECQL4-related disorder. Also called: RECQL4-related condition; RECQL4-related disorders.
Baller-Gerold syndrome (BGS). Also called: CRANIOSYNOSTOSIS WITH RADIAL DEFECTS. Identifiers: Orphanet 1225, MedGen C0265308, MONDO:0009039, OMIM 218600.

Allele frequency attached by ClinVar (database versions not stated): gnomAD 0.00001; TOPMed 0.00002; gnomAD exomes 0.00004.
gnomAD v4.1: 28 of 1,593,948 alleles (0.0018%); highest among the groups gnomAD compares: Middle Eastern, 0.019%; no homozygotes.

Submissions (2):

Labcorp Genetics (formerly Invitae), Labcorp
Classification: Likely benign for Baller-Gerold syndrome. Last evaluated: 2026-01-28. Review status: criteria provided, single submitter. Criteria: Invitae Variant Classification Sherloc (09022015). Collection method: clinical testing. Allele origin: germline.

PreventionGenetics, part of Exact Sciences
Classification: Likely benign for RECQL4-related condition. Last evaluated: 2020-01-03. Review status: no assertion criteria provided. Collection method: clinical testing. Allele origin: germline. Not counted in ClinVar's aggregate classification.
Comment: This variant is classified as likely benign based on ACMG/AMP sequence variant interpretation guidelines (Richards et al. 2015 PMID: 25741868, with internal and published modifications).